The following is an entry in ClinVar:

NM_001374675.1(HSF4):c.854+6G>C

Gene: HSF4 (heat shock transcription factor 4; plus strand). Cytogenetic location: 16q22.1.
Variant type: single nucleotide variant.
Coding change: c.854+6G>C on transcript NM_001374675.1 (MANE Select); 6 bases into the intron after coding-DNA position 854, G replaced by C.
Molecular consequence: intron variant.
Genome position (GRCh38, 1-based): chr16:67,167,605, G>C. VCF-style: chr16-67167605-G-C. GRCh37 (hg19) VCF-style: chr16-67201508-G-C.
Other names: c.868+6G>C (NM_001538.4, NM_001374674.1); c.854+6G>C (NM_001040667.3).
Identifiers: ClinVar variation 5002305 (VCV005002305.1).

ClinVar aggregate classification (germline): Likely benign (1 of 4 stars; one submission).

Conditions:
HSF4-related disorder. Also called: HSF4-related condition.

Submission:

PreventionGenetics, part of Exact Sciences
Classification: Likely benign for HSF4-related condition. Last evaluated: 2025-03-27. Review status: criteria provided, single submitter. Criteria: ACMG Guidelines, 2015. Collection method: clinical testing. Allele origin: germline.
Comment: This variant is classified as likely benign based on ACMG/AMP sequence variant interpretation guidelines (Richards et al. 2015 PMID: 25741868, with internal and published modifications).